The following is an entry in ClinVar:

ClinVar aggregate classification (germline): Benign/Likely benign. Review status: criteria provided, single submitter (1 of 4 stars). 2 submissions from 1 submitter: Benign (1); Likely benign (1). Last evaluated 2018-01-13.

Conditions:
VACTERL association, X-linked, with or without hydrocephalus (VACTERLX). Also called: VACTERL-H, X-LINKED; VACTERL Association with Hydrocephalus, X-linked; X-linked VACTERL-H syndrome; VACTERL ASSOCIATION, X-LINKED. Identifiers: Orphanet 3412, MedGen C2931228, MONDO:0010752, OMIM 314390.
Heterotaxy, visceral, 1, X-linked (HTX1). Also called: DEXTROCARDIA WITH OTHER CARDIAC MALFORMATIONS; Laterality, X-linked; Visceral heterotaxia; SITUS INVERSUS, COMPLEX CARDIAC DEFECTS, AND SPLENIC DEFECTS, X-LINKED. Identifiers: Orphanet 450, MedGen C1844020, MONDO:0010607, OMIM 306955.

Allele frequency attached by ClinVar (database versions not stated): 1000 Genomes Project 0.00238; 1000 Genomes Project 30x 0.00250; TOPMed 0.00360; gnomAD 0.00390 and 0.00393.

Submissions (2):

Illumina Laboratory Services, Illumina
Classification: Benign for VACTERL association, X-linked, with or without hydrocephalus. Last evaluated: 2018-01-13. Review status: criteria provided, single submitter. Criteria: ICSL Variant Classification Criteria 13 December 2019. Collection method: clinical testing. Allele origin: germline.
Comment: This variant was observed in the ICSL laboratory as part of a predisposition screen in an ostensibly healthy population. It had not been previously curated by ICSL or reported in the Human Gene Mutation Database (HGMD: prior to June 1st, 2018), and was therefore a candidate for classification through an automated scoring system. Utilizing variant allele frequency, disease prevalence and penetrance estimates, and inheritance mode, an automated score was calculated to assess if this variant is too frequent to cause the disease. Based on the score and internal cut-off values, a variant classified as benign is not then subjected to further curation. The score for this variant resulted in a classification of benign for this disease.

Illumina Laboratory Services, Illumina
Classification: Likely benign for Heterotaxy, visceral, 1, X-linked. Last evaluated: 2018-01-13. Review status: criteria provided, single submitter. Criteria: ICSL Variant Classification Criteria 13 December 2019. Collection method: clinical testing. Allele origin: germline.
Comment: This variant was observed in the ICSL laboratory as part of a predisposition screen in an ostensibly healthy population. It had not been previously curated by ICSL or reported in the Human Gene Mutation Database (HGMD: prior to June 1st, 2018), and was therefore a candidate for classification through an automated scoring system. Utilizing variant allele frequency, disease prevalence and penetrance estimates, and inheritance mode, an automated score was calculated to assess if this variant is too frequent to cause the disease. Based on the score and internal cut-off values, a variant classified as likely benign is not then subjected to further curation. The score for this variant resulted in a classification of likely benign for this disease.

NM_003413.4(ZIC3):c.*1189A>G

Gene: ZIC3 (Zic family zinc finger 3; plus strand). Cytogenetic location: Xq26.3.
Variant type: single nucleotide variant.
Coding change: c.*1189A>G on transcript NM_003413.4 (MANE Select); 1189 bases downstream of the stop codon, A replaced by G.
Molecular consequence: 3 prime UTR variant. On other transcripts: intron variant (1).
Genome position (GRCh38, 1-based): chrX:137,571,259, A>G. VCF-style: chrX-137571259-A-G. GRCh37 (hg19) VCF-style: chrX-136653418-A-G.
Other names: c.1224+2194A>G (NM_001330661.1).
Identifiers: ClinVar variation 367959 (VCV000367959.6), dbSNP rs41300285, ClinGen allele CA10651728.